The following is an entry in ClinVar:

NM_005751.5(AKAP9):c.1036C>G (p.Leu346Val)

Gene: AKAP9 (A-kinase anchoring protein 9; plus strand). Cytogenetic location: 7q21.2.
Variant type: single nucleotide variant.
Coding change: c.1036C>G on transcript NM_005751.5 (MANE Select); coding-DNA position 1036, C replaced by G.
Protein change: p.Leu346Val; replaces leucine 346 with valine.
Molecular consequence: missense variant.
Genome position (GRCh38, 1-based): chr7:92,000,953, C>G. VCF-style: chr7-92000953-C-G. GRCh37 (hg19) VCF-style: chr7-91630267-C-G.
Other names: c.1036C>G, p.Leu346Val (NM_147185.3); short protein forms L346V.
Identifiers: ClinVar variation 2014955 (VCV002014955.4), dbSNP rs2484688722, ClinGen allele CA368120862.
Genomic context (GRCh38, chr7:92,000,953, plus strand): 5'-GAAAAGGAGACAATCATTGAAGAATTAAACACAAAAATAATAGAAGAAGAAAAGAAAACT[C>G]TTGAGCTAAAGGATAAATTAACAACTGCTGATAAATTACTAGGAGAATTACAAGAACAGA-3'
Protein context (NP_005742.4, residues 336-356): TKIIEEEKKT[Leu346Val]ELKDKLTTAD

ClinVar aggregate classification (germline): Uncertain significance (1 of 4 stars; one submission).

Conditions:
Long QT syndrome (LQTS). Identifiers: MedGen C0023976, MeSH D008133, MONDO:0002442. Disease mechanism: loss of function. Inheritance: Various modes of inheritance.

Submission:

Labcorp Genetics (formerly Invitae), Labcorp
Classification: Uncertain significance for Long QT syndrome. Last evaluated: 2022-07-08. Review status: criteria provided, single submitter. Criteria: Invitae Variant Classification Sherloc (09022015). Collection method: clinical testing. Allele origin: germline.
Comment: This sequence change replaces leucine, which is neutral and non-polar, with valine, which is neutral and non-polar, at codon 346 of the AKAP9 protein (p.Leu346Val). This variant is not present in population databases (gnomAD no frequency). This variant has not been reported in the literature in individuals affected with AKAP9-related conditions. Algorithms developed to predict the effect of missense changes on protein structure and function output the following: SIFT: "Tolerated"; PolyPhen-2: "Benign"; Align-GVGD: "Class C0". The valine amino acid residue is found in multiple mammalian species, which suggests that this missense change does not adversely affect protein function. In summary, the available evidence is currently insufficient to determine the role of this variant in disease. Therefore, it has been classified as a Variant of Uncertain Significance.